The following is an entry in ClinVar:

ClinVar aggregate classification (germline): Uncertain significance. Review status: criteria provided, multiple submitters, no conflicts (2 of 4 stars). 2 submissions from 2 submitters: Uncertain significance (2). Last evaluated 2025-07-15.

Conditions:
Inborn genetic diseases. Identifiers: MedGen C0950123, MeSH D030342.

Allele frequency attached by ClinVar (database versions not stated): gnomAD exomes 0.00001.
gnomAD v4.1: 10 of 1,607,820 alleles (0.00062%); highest among the groups gnomAD compares: Non-Finnish European, 0.00085%; no homozygotes.

Submissions (2):

Ambry Genetics
Classification: Uncertain significance for Inborn genetic diseases. Last evaluated: 2025-07-15. Review status: criteria provided, single submitter. Criteria: Ambry Variant Classification Scheme 2023. Collection method: clinical testing. Allele origin: germline.

Labcorp Genetics (formerly Invitae), Labcorp
Classification: Uncertain significance. Last evaluated: 2021-08-23. Review status: criteria provided, single submitter. Criteria: Invitae Variant Classification Sherloc (09022015). Collection method: clinical testing. Allele origin: germline.
Comment: This variant is not present in population databases (ExAC no frequency). This variant has not been reported in the literature in individuals affected with GTPBP3-related conditions. Algorithms developed to predict the effect of missense changes on protein structure and function are either unavailable or do not agree on the potential impact of this missense change (SIFT: "Tolerated"; PolyPhen-2: "Possibly Damaging"; Align-GVGD: "Class C0"). In summary, the available evidence is currently insufficient to determine the role of this variant in disease. Therefore, it has been classified as a Variant of Uncertain Significance. This sequence change replaces glycine with alanine at codon 508 of the GTPBP3 protein (p.Gly508Ala). The glycine residue is moderately conserved and there is a small physicochemical difference between glycine and alanine.

NM_032620.4(GTPBP3):c.1427G>C (p.Gly476Ala)

Gene: GTPBP3 (GTP binding protein 3, mitochondrial; plus strand). Cytogenetic location: 19p13.11.
Variant type: single nucleotide variant.
Coding change: c.1427G>C on transcript NM_032620.4 (MANE Select); coding-DNA position 1427, G replaced by C.
Protein change: p.Gly476Ala; replaces glycine 476 with alanine.
Molecular consequence: missense variant.
Genome position (GRCh38, 1-based): chr19:17,341,651, G>C. VCF-style: chr19-17341651-G-C. GRCh37 (hg19) VCF-style: chr19-17452460-G-C.
Other names: c.1364G>C, p.Gly455Ala (NM_001128855.3); c.1493G>C, p.Gly498Ala (NM_001195422.1); c.1523G>C, p.Gly508Ala (NM_133644.4); c.1523G>C (NM_133644.3); short protein forms G476A, G508A, G455A, G498A.
Identifiers: ClinVar variation 1442519 (VCV001442519.7), dbSNP rs1264316652, ClinGen allele CA404739852.